The following is an entry in ClinVar:

ClinVar aggregate classification (germline): Benign. Review status: criteria provided, multiple submitters, no conflicts (2 of 4 stars). 5 submissions from 5 submitters: Benign (5). Last evaluated 2026-02-03.

Conditions:
Weill-Marchesani syndrome. Also called: WM Syndrome; Mesodermal dysmorphodystrophy congenital. Identifiers: Orphanet 3449, MedGen C0265313, MONDO:0018096.

Allele frequency attached by ClinVar (database versions not stated): gnomAD exomes 0.00320 and 0.00910; ExAC 0.01061; gnomAD 0.03054 and 0.03247; ESP Exome Variant Server 0.03269; TOPMed 0.03476; 1000 Genomes Project 0.03734; 1000 Genomes Project 30x 0.03935.
gnomAD v4.1: 9,578 of 1,611,990 alleles (0.59%); highest among the groups gnomAD compares: African/African-American, 10%; 435 homozygotes.

Submissions (5):

Labcorp Genetics (formerly Invitae), Labcorp
Classification: Benign. Last evaluated: 2026-02-03. Review status: criteria provided, single submitter. Criteria: Invitae Variant Classification Sherloc (09022015). Collection method: clinical testing. Allele origin: germline.

Mayo Clinic Laboratories, Mayo Clinic
Classification: Benign. Last evaluated: 2023-03-12. Review status: criteria provided, single submitter. Criteria: ACMG Guidelines, 2015. Collection method: clinical testing. Allele origin: germline. Observed: 11 variant alleles.

GeneDx
Classification: Benign. Last evaluated: 2019-01-16. Review status: criteria provided, single submitter. Criteria: GeneDx Variant Classification Process June 2021. Collection method: clinical testing. Allele origin: germline. Affected: yes.

Illumina Laboratory Services, Illumina
Classification: Benign for Weill-Marchesani syndrome. Last evaluated: 2018-01-13. Review status: criteria provided, single submitter. Criteria: ICSL Variant Classification Criteria 13 December 2019. Collection method: clinical testing. Allele origin: germline.
Comment: This variant was observed in the ICSL laboratory as part of a predisposition screen in an ostensibly healthy population. It had not been previously curated by ICSL or reported in the Human Gene Mutation Database (HGMD: prior to June 1st, 2018), and was therefore a candidate for classification through an automated scoring system. Utilizing variant allele frequency, disease prevalence and penetrance estimates, and inheritance mode, an automated score was calculated to assess if this variant is too frequent to cause the disease. Based on the score and internal cut-off values, a variant classified as benign is not then subjected to further curation. The score for this variant resulted in a classification of benign for this disease.

Breakthrough Genomics
Classification: Benign. Review status: criteria provided, single submitter. Criteria: ACMG Guidelines, 2015. Collection method: not provided. Allele origin: germline. Inheritance: Autosomal recessive inheritance. Affected: yes.

NM_030957.4(ADAMTS10):c.2584G>T (p.Ala862Ser)

Gene: ADAMTS10 (ADAM metallopeptidase with thrombospondin type 1 motif 10; minus strand). Cytogenetic location: 19p13.2.
Variant type: single nucleotide variant.
Coding change: c.2584G>T on transcript NM_030957.4 (MANE Select); coding-DNA position 2584, G replaced by T.
Protein change: p.Ala862Ser; replaces alanine 862 with serine.
Molecular consequence: missense variant.
Genome position (GRCh38, 1-based): chr19:8,586,198, C>A on the plus strand (G>T on the coding strand, the complement: ADAMTS10 is on the minus strand). VCF-style: chr19-8586198-C-A. GRCh37 (hg19) VCF-style: chr19-8651082-C-A.
Other names: p.Ala862Ser; c.1045G>T, p.Ala349Ser (NM_001282352.2); short protein forms A862S, A349S.
Identifiers: ClinVar variation 330582 (VCV000330582.18), dbSNP rs10418929, ClinGen allele CA9160048.
Genomic context (GRCh38, chr19:8,586,198, plus strand): 5'-CCGTGTTGCAGGCGCGCTGCCTTTTGGGCAGCTTGCTGTGGGCACTGCAGTAGTGGGGGG[C>A]GACCGCGGAGCTGTCCAGCTGGTTGCGGCACTCCACCGCCTGCACCTGGCTACCTGGAGG-3'
Protein context (NP_112219.3, residues 852-872): CRNQLDSSAV[Ala862Ser]PHYCSAHSKL